The following is an entry in ClinVar:

ClinVar aggregate classification (germline): Uncertain significance (1 of 4 stars; one submission).

Conditions:
Autosomal recessive nonsyndromic hearing loss 1B. Also called: DEAFNESS, AUTOSOMAL RECESSIVE 1B. Identifiers: Orphanet 90636, MedGen C2675235, MONDO:0012977, OMIM 612645.
Autosomal recessive nonsyndromic hearing loss 1A (DFNB1A). Also called: Connexin 26 deafness; Deafness nonsyndromic, Connexin 26 linked; GJB6-Related DFNB 1 Nonsyndromic Hearing Loss and Deafness; Deafness, autosomal recessive 1A; Nonsyndromic Hearing Loss and Deafness, DFNB1; GJB2-Related Autosomal Recessive Nonsyndromic Hearing Loss. Identifiers: Orphanet 90636, MedGen C2673759, MONDO:0009076, OMIM 220290.
Autosomal dominant nonsyndromic hearing loss 3B. Identifiers: Orphanet 90635, MedGen C2675237, MONDO:0012975, OMIM 612643.
Hidrotic ectodermal dysplasia syndrome (GJB6). Also called: CLOUSTON HIDROTIC ECTODERMAL DYSPLASIA; Ectodermal dysplasia 2, hidrotic; Autosomal dominant hidrotic ectodermal dysplasia; Clouston syndrome; Clouston's hidrotic ectodermal dysplasia; ECTODERMAL DYSPLASIA 2, CLOUSTON TYPE. Identifiers: Orphanet 189, MedGen C0162361, MONDO:0007510, OMIM 129500.

Submission:

Labcorp Genetics (formerly Invitae), Labcorp
Classification: Uncertain significance for Autosomal dominant nonsyndromic hearing loss 3B; Hidrotic ectodermal dysplasia syndrome; Autosomal recessive nonsyndromic hearing loss 1B; Autosomal recessive nonsyndromic hearing loss 1A. Last evaluated: 2022-07-29. Review status: criteria provided, single submitter. Criteria: Invitae Variant Classification Sherloc (09022015). Collection method: clinical testing. Allele origin: germline.
Comment: This sequence change replaces methionine, which is neutral and non-polar, with leucine, which is neutral and non-polar, at codon 203 of the GJB6 protein (p.Met203Leu). This variant is not present in population databases (gnomAD no frequency). This variant has not been reported in the literature in individuals affected with GJB6-related conditions. Algorithms developed to predict the effect of missense changes on protein structure and function (SIFT, PolyPhen-2, Align-GVGD) all suggest that this variant is likely to be tolerated. In summary, the available evidence is currently insufficient to determine the role of this variant in disease. Therefore, it has been classified as a Variant of Uncertain Significance.

NM_001110219.3(GJB6):c.607A>C (p.Met203Leu)

Gene: GJB6 (gap junction protein beta 6; minus strand). Cytogenetic location: 13q12.11.
Variant type: single nucleotide variant.
Coding change: c.607A>C on transcript NM_001110219.3 (MANE Select); coding-DNA position 607, A replaced by C.
Protein change: p.Met203Leu; replaces methionine 203 with leucine.
Molecular consequence: missense variant.
Genome position (GRCh38, 1-based): chr13:20,222,874, T>G on the plus strand (A>C on the coding strand, the complement: GJB6 is on the minus strand). VCF-style: chr13-20222874-T-G. GRCh37 (hg19) VCF-style: chr13-20797013-T-G.
Other names: c.607A>C, p.Met203Leu (NM_001110220.3, NM_001110221.3, NM_001370090.1 and 3 more transcripts); short protein forms M203L.
Identifiers: ClinVar variation 2009958 (VCV002009958.4), dbSNP rs200674715, ClinGen allele CA387467646.
Genomic context (GRCh38, chr13:20,222,874, plus strand): 5'-TTGATCTCCTAAAACACACTTTCAGCAGCAGGTAGCACAACTCTGCCACGTTAAGCAGCA[T>G]GCAAATCACAGACGCAGAAATCATAAAAATGGTAAACACGGTCTTCTCTGTTGGCCTAGA-3'
Protein context (NP_001103689.1, residues 193-213): IFMISASVIC[Met203Leu]LLNVAELCYL